The following is an entry in ClinVar:

NM_004387.4(NKX2-5):c.623C>T (p.Pro208Leu)

Gene: NKX2-5 (NK2 homeobox 5; minus strand). Cytogenetic location: 5q35.1.
Variant type: single nucleotide variant.
Coding change: c.623C>T on transcript NM_004387.4 (MANE Select); coding-DNA position 623, C replaced by T.
Protein change: p.Pro208Leu; replaces proline 208 with leucine.
Molecular consequence: missense variant. On other transcripts: 3 prime UTR variant (2).
Genome position (GRCh38, 1-based): chr5:173,232,921, G>A on the plus strand (C>T on the coding strand, the complement: NKX2-5 is on the minus strand). VCF-style: chr5-173232921-G-A. GRCh37 (hg19) VCF-style: chr5-172659924-G-A.
Other names: c.*576C>T (NM_001166175.2); c.*422C>T (NM_001166176.2); short protein forms P208L.
Identifiers: ClinVar variation 3365949 (VCV003365949.1).

ClinVar aggregate classification (germline): Uncertain significance (1 of 4 stars; one submission).

Submission:

GeneDx
Classification: Uncertain significance. Last evaluated: 2023-12-18. Review status: criteria provided, single submitter. Criteria: GeneDx Variant Classification Process June 2021. Collection method: clinical testing. Allele origin: germline. Affected: yes.
Comment: Has not been previously published as pathogenic or benign to our knowledge; Not observed at significant frequency in large population cohorts (gnomAD); In silico analysis supports that this missense variant has a deleterious effect on protein structure/function